The following is an entry in ClinVar:

ClinVar aggregate classification (germline): Likely benign (1 of 4 stars; one submission).

Allele frequency attached by ClinVar (database versions not stated): gnomAD 0.00002; ExAC 0.00003; TOPMed 0.00003.
gnomAD v4.1: 36 of 1,609,566 alleles (0.0022%); highest among the groups gnomAD compares: Non-Finnish European, 0.003%; no homozygotes.

Submission:

CeGaT Center for Human Genetics Tuebingen
Classification: Likely benign. Last evaluated: 2023-06-01. Review status: criteria provided, single submitter. Criteria: CeGaT Center For Human Genetics Tuebingen Variant Classification Criteria Version 2. Collection method: clinical testing. Allele origin: germline. Affected: yes. Observed: 4 variant alleles.
Comment: TMCO6: BP4, BP7

NM_018502.5(TMCO6):c.165G>A (p.Glu55=)

Gene: TMCO6 (transmembrane and coiled-coil domains 6; plus strand). Cytogenetic location: 5q31.3.
Variant type: single nucleotide variant.
Coding change: c.165G>A on transcript NM_018502.5 (MANE Select); coding-DNA position 165, G replaced by A.
Protein change: p.Glu55=; no amino-acid change (glutamic acid 55 retained).
Molecular consequence: synonymous variant. On other transcripts: 5 prime UTR variant (1).
Genome position (GRCh38, 1-based): chr5:140,639,818, G>A. VCF-style: chr5-140639818-G-A. GRCh37 (hg19) VCF-style: chr5-140019403-G-A.
Other names: c.165G>A, p.Glu55= (NM_001300980.2); c.-267G>A (NM_001300982.2).
Identifiers: ClinVar variation 2655740 (VCV002655740.24), dbSNP rs775506005, ClinGen allele CA3441971.